The following is an entry in ClinVar:

ClinVar aggregate classification (germline): Uncertain significance (1 of 4 stars; one submission).

Submission:

Ambry Genetics
Classification: Uncertain significance. Last evaluated: 2023-11-10. Review status: criteria provided, single submitter. Criteria: Ambry Variant Classification Scheme 2023. Collection method: clinical testing. Allele origin: germline.
Comment: The p.P69Q variant (also known as c.206C>A), located in coding exon 1 of the GALNT12 gene, results from a C to A substitution at nucleotide position 206. The proline at codon 69 is replaced by glutamine, an amino acid with similar properties. This amino acid position is conserved. In addition, this alteration is predicted to be tolerated by in silico analysis. Since supporting evidence is limited at this time, the clinical significance of this alteration remains unclear.

NM_024642.5(GALNT12):c.206C>A (p.Pro69Gln)

Gene: GALNT12 (polypeptide N-acetylgalactosaminyltransferase 12; plus strand). Cytogenetic location: 9q22.33.
Variant type: single nucleotide variant.
Coding change: c.206C>A on transcript NM_024642.5 (MANE Select); coding-DNA position 206, C replaced by A.
Protein change: p.Pro69Gln; replaces proline 69 with glutamine.
Molecular consequence: missense variant.
Genome position (GRCh38, 1-based): chr9:98,807,904, C>A. VCF-style: chr9-98807904-C-A. GRCh37 (hg19) VCF-style: chr9-101570186-C-A.
Other names: short protein forms P69Q.
Identifiers: ClinVar variation 3227937 (VCV003227937.1), dbSNP rs1588436255, ClinGen allele CA374222523.
Genomic context (GRCh38, chr9:98,807,904, plus strand): 5'-AGCCGGGACCCCCGCGCACCCCGCGCCCCGGGCGGCGCGAGCCGGTCATGCCGCGGCCGC[C>A]GGTGCCGGCGAACGCGCTGGGCGCGCGGGGCGAGGCGGTGCGGCTGCAGCTGCAGGGCGA-3'
Protein context (NP_078918.3, residues 59-79): GRREPVMPRP[Pro69Gln]VPANALGARG